The following is an entry in ClinVar:

ClinVar aggregate classification (germline): Uncertain significance (1 of 4 stars; one submission).

Submission:

GeneDx
Classification: Uncertain significance. Last evaluated: 2023-12-01. Review status: criteria provided, single submitter. Criteria: GeneDx Variant Classification Process June 2021. Collection method: clinical testing. Allele origin: germline. Affected: yes.
Comment: Not observed at significant frequency in large population cohorts (gnomAD); In silico analysis supports that this missense variant has a deleterious effect on protein structure/function; Has not been previously published as pathogenic or benign to our knowledge

NM_006147.4(IRF6):c.1005C>A (p.Asn335Lys)

Gene: IRF6 (interferon regulatory factor 6; minus strand). Cytogenetic location: 1q32.2.
Variant type: single nucleotide variant.
Coding change: c.1005C>A on transcript NM_006147.4 (MANE Select); coding-DNA position 1005, C replaced by A.
Protein change: p.Asn335Lys; replaces asparagine 335 with lysine.
Molecular consequence: missense variant.
Genome position (GRCh38, 1-based): chr1:209,790,550, G>T on the plus strand (C>A on the coding strand, the complement: IRF6 is on the minus strand). VCF-style: chr1-209790550-G-T. GRCh37 (hg19) VCF-style: chr1-209963895-G-T.
Other names: c.720C>A, p.Asn240Lys (NM_001206696.2); short protein forms N240K, N335K.
Identifiers: ClinVar variation 3365127 (VCV003365127.1).
Genomic context (GRCh38, chr1:209,790,550, plus strand): 5'-CTTACCGCTAAGGAATGTTTCCAGACAAAATAGCTTGACCTTCTTTTGTCTCTCAATCAG[G>T]TTGGGAGCAACAAGTGATGGGGCACATGGCCCAGACCAGTACACCTTGCACTGGCACAGC-3'
Protein context (NP_006138.1, residues 325-345): GPCAPSLVAP[Asn335Lys]LIERQKKVKL